The following is an entry in ClinVar:

ClinVar aggregate classification (germline): Likely benign (0 of 4 stars; one submission).

Conditions:
ADCY3-related disorder. Also called: ADCY3-related condition.

gnomAD v4.1: 5 of 1,613,484 alleles (0.00031%); highest among the groups gnomAD compares: Non-Finnish European, 0.00042%; no homozygotes.

Submission:

PreventionGenetics, part of Exact Sciences
Classification: Likely benign for ADCY3-related condition. Last evaluated: 2023-12-06. Review status: no assertion criteria provided. Collection method: clinical testing. Allele origin: germline.
Comment: This variant is classified as likely benign based on ACMG/AMP sequence variant interpretation guidelines (Richards et al. 2015 PMID: 25741868, with internal and published modifications).

NM_004036.5(ADCY3):c.1789C>A (p.Arg597=)

Gene: ADCY3 (adenylate cyclase 3; minus strand). Cytogenetic location: 2p23.3.
Variant type: single nucleotide variant.
Coding change: c.1789C>A on transcript NM_004036.5 (MANE Select); coding-DNA position 1789, C replaced by A.
Protein change: p.Arg597=; no amino-acid change (arginine 597 retained).
Molecular consequence: synonymous variant.
Genome position (GRCh38, 1-based): chr2:24,834,810, G>T on the plus strand (C>A on the coding strand, the complement: ADCY3 is on the minus strand). VCF-style: chr2-24834810-G-T. GRCh37 (hg19) VCF-style: chr2-25057679-G-T.
Other names: c.1789C>A, p.Arg597= (NM_001320613.2, NM_001377129.1, NM_001377130.1 and 1 more transcripts); c.1855C>A, p.Arg619= (NM_001377128.1); c.1066C>A, p.Arg356= (NM_001377131.1).
Identifiers: ClinVar variation 3356366 (VCV003356366.1).